The following is an entry in ClinVar:

NM_020461.4(TUBGCP6):c.1012G>A (p.Val338Ile)

Gene: TUBGCP6 (tubulin gamma complex component 6; minus strand). Cytogenetic location: 22q13.33.
Variant type: single nucleotide variant.
Coding change: c.1012G>A on transcript NM_020461.4 (MANE Select); coding-DNA position 1012, G replaced by A.
Protein change: p.Val338Ile; replaces valine 338 with isoleucine.
Molecular consequence: missense variant.
Genome position (GRCh38, 1-based): chr22:50,233,420, C>T on the plus strand (G>A on the coding strand, the complement: TUBGCP6 is on the minus strand). VCF-style: chr22-50233420-C-T. GRCh37 (hg19) VCF-style: chr22-50671849-C-T.
Other names: c.1012G>A (NM_020461.3); short protein forms V338I.
Identifiers: ClinVar variation 1144139 (VCV001144139.13), dbSNP rs150608966, ClinGen allele CA10308862.
Genomic context (GRCh38, chr22:50,233,420, plus strand): 5'-TCAGCACGTCTTTCACCAGCTCGCACTCCTTCACCAGCACGGGCTGCGGGGCCTGTAGGA[C>T]GCCCCCAGCAAGCAGCTGGAGCTCCCCTTGGTGGAGCCTGCAGAACTTGTCGAAAGCGTC-3'
Protein context (NP_065194.3, residues 328-348): QGELQLLAGG[Val338Ile]LQAPQPVLVK

ClinVar aggregate classification (germline): Benign/Likely benign. Review status: criteria provided, multiple submitters, no conflicts (2 of 4 stars). 4 submissions from 4 submitters: Benign (1); Likely benign (2). 1 of the submissions does not count toward it. Last evaluated 2025-12-02.

Conditions:
TUBGCP6-related disorder. Also called: TUBGCP6-related condition.
Inborn genetic diseases. Identifiers: MedGen C0950123, MeSH D030342.

Allele frequency attached by ClinVar (database versions not stated): gnomAD exomes 0.00009 and 0.00025; 1000 Genomes Project 0.00020; ExAC 0.00032; 1000 Genomes Project 30x 0.00047; gnomAD 0.00086 and 0.00094; ESP Exome Variant Server 0.00092; TOPMed 0.00092.
gnomAD v4.1: 268 of 1,613,852 alleles (0.017%); highest among the groups gnomAD compares: African/African-American, 0.27%; 1 homozygote.

Submissions (4):

Labcorp Genetics (formerly Invitae), Labcorp
Classification: Likely benign. Last evaluated: 2025-12-02. Review status: criteria provided, single submitter. Criteria: Invitae Variant Classification Sherloc (09022015). Collection method: clinical testing. Allele origin: germline.

Ambry Genetics
Classification: Likely benign for Inborn genetic diseases. Last evaluated: 2024-05-02. Review status: criteria provided, single submitter. Criteria: Ambry Variant Classification Scheme 2023. Collection method: clinical testing. Allele origin: germline.

Blueprint Genetics
Classification: Benign. Last evaluated: 2024-02-16. Review status: criteria provided, single submitter. Criteria: ACMG Guidelines, 2015. Collection method: clinical testing. Allele origin: germline.

PreventionGenetics, part of Exact Sciences
Classification: Likely benign for TUBGCP6-related condition. Last evaluated: 2022-08-02. Review status: no assertion criteria provided. Collection method: clinical testing. Allele origin: germline. Not counted in ClinVar's aggregate classification.
Comment: This variant is classified as likely benign based on ACMG/AMP sequence variant interpretation guidelines (Richards et al. 2015 PMID: 25741868, with internal and published modifications).